The following is an entry in ClinVar:

NM_001110556.2(FLNA):c.5208C>T (p.Phe1736=)

Gene: FLNA (filamin A; minus strand). Cytogenetic location: Xq28.
Variant type: single nucleotide variant.
Coding change: c.5208C>T on transcript NM_001110556.2 (MANE Select); coding-DNA position 5208, C replaced by T.
Protein change: p.Phe1736=; no amino-acid change (phenylalanine 1736 retained).
Molecular consequence: synonymous variant.
Genome position (GRCh38, 1-based): chrX:154,354,834, G>A on the plus strand (C>T on the coding strand, the complement: FLNA is on the minus strand). VCF-style: chrX-154354834-G-A. GRCh37 (hg19) VCF-style: chrX-153583202-G-A.
Other names: c.5184C>T, p.Phe1728= (NM_001456.4).
Identifiers: ClinVar variation 2304020 (VCV002304020.2), dbSNP rs2522728116, ClinGen allele CA519707168.

ClinVar aggregate classification (germline): Uncertain significance (1 of 4 stars; one submission).

Conditions:
Familial thoracic aortic aneurysm and aortic dissection (TAAD). Also called: Thoracic aortic aneurysms and dissections. Identifiers: Orphanet 91387, MedGen C4707243, MONDO:0019625.

Submission:

Ambry Genetics
Classification: Uncertain significance for Familial thoracic aortic aneurysm and aortic dissection. Last evaluated: 2022-08-19. Review status: criteria provided, single submitter. Criteria: Ambry Variant Classification Scheme 2023. Collection method: clinical testing. Allele origin: germline.
Comment: The c.5184C>T (p.F1728F) alteration is located in exon 30 (coding exon 29) of the FLNA gene. This alteration consists of a C to T substitution at nucleotide position 5184. This nucleotide substitution does not change the amino acid at codon 1728. Based on insufficient or conflicting evidence, the clinical significance of this alteration remains unclear.

Literature cited by the submitters: PubMed 30391507; PubMed 34863227.